The following is an entry in ClinVar:

ClinVar aggregate classification (germline): Benign. Review status: criteria provided, multiple submitters, no conflicts (2 of 4 stars). 3 submissions from 3 submitters: Benign (2). 1 of the submissions does not count toward it. Last evaluated 2022-04-13.

Conditions:
ZFHX3-related disorder. Also called: ZFHX3-related condition.

Allele frequency attached by ClinVar (database versions not stated): ESP Exome Variant Server 0.00462; gnomAD exomes 0.02161 and 0.07824; gnomAD 0.03011 and 0.03442; TOPMed 0.05034; ExAC 0.06468; 1000 Genomes Project 30x 0.09900; 1000 Genomes Project 0.09964.
gnomAD v4.1: 37,564 of 1,613,972 alleles (2.3%); highest among the groups gnomAD compares: Admixed American, 29%; 5,281 homozygotes.

Submissions (3):

GeneDx
Classification: Benign. Last evaluated: 2022-04-13. Review status: criteria provided, single submitter. Criteria: GeneDx Variant Classification Process June 2021. Collection method: clinical testing. Allele origin: germline. Affected: yes.

Breakthrough Genomics
Classification: Benign. Review status: criteria provided, single submitter. Criteria: ACMG Guidelines, 2015. Collection method: not provided. Allele origin: germline. Inheritance: Autosomal dominant inheritance. Affected: yes.

PreventionGenetics, part of Exact Sciences
Classification: Benign for ZFHX3-related condition. Last evaluated: 2019-05-23. Review status: no assertion criteria provided. Collection method: clinical testing. Allele origin: germline. Not counted in ClinVar's aggregate classification.
Comment: This variant is classified as benign based on ACMG/AMP sequence variant interpretation guidelines (Richards et al. 2015 PMID: 25741868, with internal and published modifications).

NM_006885.4(ZFHX3):c.6951T>C (p.Asn2317=)

Genes: ZFHX3 (zinc finger homeobox 3; minus strand), ZFHX3-AS1 (ZFHX3 antisense RNA 1; plus strand). Cytogenetic location: 16q22.2.
Variant type: single nucleotide variant.
Coding change: c.6951T>C on transcript NM_006885.4 (MANE Select); coding-DNA position 6951, T replaced by C.
Protein change: p.Asn2317=; no amino-acid change (asparagine 2317 retained).
Molecular consequence: synonymous variant.
Genome position (GRCh38, 1-based): chr16:72,795,731, A>G on the plus strand (T>C on the coding strand, the complement: ZFHX3 is on the minus strand). VCF-style: chr16-72795731-A-G. GRCh37 (hg19) VCF-style: chr16-72829630-A-G.
Other names: c.4209T>C, p.Asn1403= (NM_001164766.2); c.6951T>C, p.Asn2317= (NM_001386735.1).
Identifiers: ClinVar variation 1676930 (VCV001676930.5), dbSNP rs12599442, ClinGen allele CA8163322.